The following is an entry in ClinVar:

ClinVar aggregate classification (germline): Likely benign (1 of 4 stars; one submission).

Conditions:
FMN1-related disorder. Also called: FMN1-related condition.

Submission:

PreventionGenetics, part of Exact Sciences
Classification: Likely benign for FMN1-related condition. Last evaluated: 2024-12-08. Review status: criteria provided, single submitter. Criteria: ACMG Guidelines, 2015. Collection method: clinical testing. Allele origin: germline.
Comment: This variant is classified as likely benign based on ACMG/AMP sequence variant interpretation guidelines (Richards et al. 2015 PMID: 25741868, with internal and published modifications).

NM_001277313.2(FMN1):c.2044-1509G>A

Gene: FMN1 (formin 1; minus strand). Cytogenetic location: 15q13.3.
Variant type: single nucleotide variant.
Coding change: c.2044-1509G>A on transcript NM_001277313.2 (MANE Select); 1509 bases into the intron before coding-DNA position 2044, G replaced by A.
Molecular consequence: intron variant. On other transcripts: synonymous variant (1).
Genome position (GRCh38, 1-based): chr15:33,066,583, C>T on the plus strand (G>A on the coding strand, the complement: FMN1 is on the minus strand). VCF-style: chr15-33066583-C-T. GRCh37 (hg19) VCF-style: chr15-33358784-C-T.
Other names: c.1302G>A, p.Glu434= (NM_001103184.4).
Identifiers: ClinVar variation 4983083 (VCV004983083.1).